The following is an entry in ClinVar:

ClinVar aggregate classification (germline): Uncertain significance. Review status: criteria provided, multiple submitters, no conflicts (2 of 4 stars). 3 submissions from 3 submitters: Uncertain significance (3). Last evaluated 2024-10-18.

Conditions:
Cardiovascular phenotype. Identifiers: MedGen CN230736.
Alstrom syndrome (ALMS). Identifiers: Orphanet 64, MedGen C0268425, MONDO:0008763, OMIM 203800.

Submissions (3):

Labcorp Genetics (formerly Invitae), Labcorp
Classification: Uncertain significance for Alstrom syndrome. Last evaluated: 2024-10-18. Review status: criteria provided, single submitter. Criteria: Invitae Variant Classification Sherloc (09022015). Collection method: clinical testing. Allele origin: germline.
Comment: This sequence change replaces valine, which is neutral and non-polar, with isoleucine, which is neutral and non-polar, at codon 43 of the ALMS1 protein (p.Val43Ile). Information on the frequency of this variant in the gnomAD database is not available, as this variant may be reported differently in the database. This variant has not been reported in the literature in individuals affected with ALMS1-related conditions. ClinVar contains an entry for this variant (Variation ID: 965423). Experimental studies and prediction algorithms are not available or were not evaluated, and the functional significance of this variant is currently unknown. In summary, the available evidence is currently insufficient to determine the role of this variant in disease. Therefore, it has been classified as a Variant of Uncertain Significance.

Ambry Genetics
Classification: Uncertain significance for Cardiovascular phenotype. Last evaluated: 2023-12-14. Review status: criteria provided, single submitter. Criteria: Ambry Variant Classification Scheme 2023. Collection method: clinical testing. Allele origin: germline.
Comment: The c.126_127delGGinsCA variant, located in coding exon 1 of the ALMS1 gene, results from an in-frame deletion of GG and insertion of CA at nucleotide positions 126 to 127. This results in the substitution of the valine residue for an isoleucine residue at codon 43, an amino acid with highly similar properties. This amino acid position is well conserved in available vertebrate species. In addition, this alteration is predicted to be neutral by in silico analysis (Choi Y et al. PLoS ONE. 2012; 7(10):e46688). Since supporting evidence is limited at this time, the clinical significance of this alteration remains unclear.

GeneDx
Classification: Uncertain significance. Last evaluated: 2023-10-06. Review status: criteria provided, single submitter. Criteria: GeneDx Variant Classification Process June 2021. Collection method: clinical testing. Allele origin: germline. Affected: yes.
Comment: Not observed at significant frequency in large population cohorts (gnomAD); In silico analysis supports that this variant does not alter protein structure/function; Has not been previously published as pathogenic or benign to our knowledge

NM_001378454.1(ALMS1):c.123_124delinsCA (p.Val42Ile)

Gene: ALMS1 (ALMS1 centrosome and basal body associated protein; plus strand). Cytogenetic location: 2p13.1.
Variant type: Indel.
Coding change: c.123_124delinsCA on transcript NM_001378454.1 (MANE Select); coding-DNA positions 123 to 124, GG replaced by CA.
Protein change: p.Val42Ile; replaces valine 42 with isoleucine.
Molecular consequence: missense variant.
Genome position (GRCh38, 1-based): chr2:73,385,991-73,385,992, GG replaced by CA. VCF-style: chr2-73385991-GG-CA. GRCh37 (hg19) VCF-style: chr2-73613119-GG-CA.
Other names: c.126_127delGGinsCA (NM_015120.4); c.126_127delinsCA, p.Val43Ile (NM_015120.4); short protein forms V43I, V42I.
Identifiers: ClinVar variation 965423 (VCV000965423.8), dbSNP rs1670514979, ClinGen allele CA1139657096.